The following is an entry in ClinVar:

ClinVar aggregate classification (germline): Uncertain significance (1 of 4 stars; one submission).

Submission:

Seattle Children's Hospital Molecular Genetics Laboratory, Seattle Children's Hospital
Classification: Uncertain significance. Last evaluated: 2021-02-03. Review status: criteria provided, single submitter. Criteria: ACMG Guidelines, 2015. Collection method: clinical testing. Allele origin: germline. Affected: yes.
Comment: The c.1252G>T variant is located in exon 9 of the FGFR1 gene. This substitution replaces the alanine for serine at amino acid position 418 of the protein. This variant has not been reported in the HGMD or the ClinVar databases. This is a novel variant that has not been reported in large population studies (approximately 250,000 alleles; gnomAD v2.1). The nucleotide position is not well conserved across species and some in silico tools predict that the p.Ala418Ser change is damaging, while others predict this change is tolerated. This position is not part of a recognized functional domain of the protein (Uniprot).

NM_023110.3(FGFR1):c.1252G>T (p.Ala418Ser)

Gene: FGFR1 (fibroblast growth factor receptor 1; minus strand). Cytogenetic location: 8p11.23.
Variant type: single nucleotide variant.
Coding change: c.1252G>T on transcript NM_023110.3 (MANE Select); coding-DNA position 1252, G replaced by T.
Protein change: p.Ala418Ser; replaces alanine 418 with serine.
Molecular consequence: missense variant.
Genome position (GRCh38, 1-based): chr8:38,419,565, C>A on the plus strand (G>T on the coding strand, the complement: FGFR1 is on the minus strand). VCF-style: chr8-38419565-C-A. GRCh37 (hg19) VCF-style: chr8-38277083-C-A.
Other names: c.1252G>T, p.Ala418Ser (NM_001174063.2); c.1228G>T, p.Ala410Ser (NM_001174064.2); c.1246G>T, p.Ala416Ser (NM_001174065.2, NM_001354367.2, NM_001354369.2 and 1 more transcripts); c.985G>T, p.Ala329Ser (NM_001174066.2, NM_023105.3); c.1345G>T, p.Ala449Ser (NM_001174067.2); c.979G>T, p.Ala327Ser (NM_001354368.2, NM_001354370.2, NM_023106.3); short protein forms A327S, A329S, A410S, A416S, A418S, A449S.
Identifiers: ClinVar variation 1691353 (VCV001691353.2), dbSNP rs2150705966, ClinGen allele CA370733617.